The following is an entry in ClinVar:

NC_000015.10:g.84817045G>C

Gene: ALPK3 (alpha kinase 3; plus strand). Cytogenetic location: 15q25.3.
Variant type: single nucleotide variant.
Genome position: GRCh38 VCF-style: chr15-84817045-G-C. GRCh37 (hg19) VCF-style: chr15-85360276-G-C.
Other names: short protein forms G67R.
Identifiers: ClinVar variation 1520519 (VCV001520519.7), dbSNP rs767754656, ClinGen allele CA393368417.
Genomic context (GRCh38, chr15:84,817,045, plus strand): 5'-GCGGTTGACCTGGCTCCCCTGGCCCCGGCCAGGCCTCGTGGACCCCTCATATGCCACACG[G>C]GACATGAGCAGGCCGGCCGGGAGCCGGGTCCCGGGAGCTCCACGAAGGGGCCTGTCCTCC-3'

ClinVar aggregate classification (germline): Uncertain significance. Review status: criteria provided, multiple submitters, no conflicts (2 of 4 stars). 2 submissions from 2 submitters: Uncertain significance (2). Last evaluated 2025-07-02.

Conditions:
Cardiovascular phenotype. Identifiers: MedGen CN230736.

Submissions (2):

Labcorp Genetics (formerly Invitae), Labcorp
Classification: Uncertain significance. Last evaluated: 2025-07-02. Review status: criteria provided, single submitter. Criteria: Invitae Variant Classification Sherloc (09022015). Collection method: clinical testing. Allele origin: germline.
Comment: This sequence change replaces glycine, which is neutral and non-polar, with arginine, which is basic and polar, at codon 67 of the ALPK3 protein (p.Gly67Arg). This variant is not present in population databases (gnomAD no frequency). This variant has not been reported in the literature in individuals affected with ALPK3-related conditions. ClinVar contains an entry for this variant (Variation ID: 1520519). An algorithm developed to predict the effect of missense changes on protein structure and function outputs the following: PolyPhen-2: "Probably Damaging". The arginine amino acid residue is found in multiple mammalian species, which suggests that this missense change does not adversely affect protein function. In summary, the available evidence is currently insufficient to determine the role of this variant in disease. Therefore, it has been classified as a Variant of Uncertain Significance.

Ambry Genetics
Classification: Uncertain significance for Cardiovascular phenotype. Last evaluated: 2024-06-15. Review status: criteria provided, single submitter. Criteria: Ambry Variant Classification Scheme 2023. Collection method: clinical testing. Allele origin: germline.
Comment: The p.G67R variant (also known as c.199G>C), located in coding exon 1 of the ALPK3 gene, results from a G to C substitution at nucleotide position 199. The glycine at codon 67 is replaced by arginine, an amino acid with dissimilar properties. This amino acid position is conserved. In addition, this alteration is predicted to be tolerated by in silico analysis. Based on the available evidence, the clinical significance of this variant remains unclear.